The following is an entry in ClinVar:

ClinVar aggregate classification (germline): Uncertain significance (1 of 4 stars; one submission).

Conditions:
Hereditary cancer-predisposing syndrome. Also called: Tumor predisposition; Neoplastic Syndromes, Hereditary; Hereditary neoplastic syndrome; Hereditary Cancer Syndrome. Identifiers: Orphanet 140162, MedGen C0027672, MeSH D009386, MONDO:0015356.

Submission:

Ambry Genetics
Classification: Uncertain significance for Hereditary cancer-predisposing syndrome. Last evaluated: 2025-09-02. Review status: criteria provided, single submitter. Criteria: Ambry Variant Classification Scheme 2023. Collection method: clinical testing. Allele origin: germline.
Comment: The p.P246T variant (also known as c.736C>A), located in coding exon 1 of the MET gene, results from a C to A substitution at nucleotide position 736. The proline at codon 246 is replaced by threonine, an amino acid with highly similar properties. This variant was reported in individual(s) with features consistent with MET-related papillary renal cell carcinoma in at least one individual (Ambry internal data). This amino acid position is well conserved in available vertebrate species. In addition, this alteration is predicted to be tolerated by in silico analysis. Based on the available evidence, the clinical significance of this variant remains unclear.

NM_000245.4(MET):c.736C>A (p.Pro246Thr)

Gene: MET (MET proto-oncogene, receptor tyrosine kinase; plus strand). Cytogenetic location: 7q31.2.
Variant type: single nucleotide variant.
Coding change: c.736C>A on transcript NM_000245.4 (MANE Select); coding-DNA position 736, C replaced by A.
Protein change: p.Pro246Thr; replaces proline 246 with threonine.
Molecular consequence: missense variant. On other transcripts: intron variant (1).
Genome position (GRCh38, 1-based): chr7:116,699,820, C>A. VCF-style: chr7-116699820-C-A. GRCh37 (hg19) VCF-style: chr7-116339874-C-A.
Other names: c.736C>A, p.Pro246Thr (NM_001127500.3, NM_001324401.3); c.-91+27243C>A (NM_001324402.2); short protein forms P246T.
Identifiers: ClinVar variation 4106790 (VCV004106790.1).
Genomic context (GRCh38, chr7:116,699,820, plus strand): 5'-TTTATGTTTTTGACGGACCAGTCCTACATTGATGTTTTACCTGAGTTCAGAGATTCTTAC[C>A]CCATTAAGTATGTCCATGCCTTTGAAAGCAACAATTTTATTTACTTCTTGACGGTCCAAA-3'
Protein context (NP_000236.2, residues 236-256): DVLPEFRDSY[Pro246Thr]IKYVHAFESN